The following is an entry in ClinVar:

ClinVar aggregate classification (germline): Uncertain significance (1 of 4 stars; one submission).

gnomAD v4.1: 2 of 1,614,250 alleles (0.00012%); highest among the groups gnomAD compares: Non-Finnish European, 0.000085%; no homozygotes.

Submission:

Labcorp Genetics (formerly Invitae), Labcorp
Classification: Uncertain significance. Last evaluated: 2022-09-13. Review status: criteria provided, single submitter. Criteria: Invitae Variant Classification Sherloc (09022015). Collection method: clinical testing. Allele origin: germline.
Comment: In summary, the available evidence is currently insufficient to determine the role of this variant in disease. Therefore, it has been classified as a Variant of Uncertain Significance. Advanced modeling of protein sequence and biophysical properties (such as structural, functional, and spatial information, amino acid conservation, physicochemical variation, residue mobility, and thermodynamic stability) performed at Invitae indicates that this missense variant is not expected to disrupt BACH2 protein function. ClinVar contains an entry for this variant (Variation ID: 1463588). This variant has not been reported in the literature in individuals affected with BACH2-related conditions. This variant is not present in population databases (gnomAD no frequency). This sequence change replaces valine, which is neutral and non-polar, with leucine, which is neutral and non-polar, at codon 199 of the BACH2 protein (p.Val199Leu).

NM_021813.4(BACH2):c.595G>T (p.Val199Leu)

Gene: BACH2 (BACH transcriptional regulator 2; minus strand). Cytogenetic location: 6q15.
Variant type: single nucleotide variant.
Coding change: c.595G>T on transcript NM_021813.4 (MANE Select); coding-DNA position 595, G replaced by T.
Protein change: p.Val199Leu; replaces valine 199 with leucine.
Molecular consequence: missense variant.
Genome position (GRCh38, 1-based): chr6:89,951,511, C>A on the plus strand (G>T on the coding strand, the complement: BACH2 is on the minus strand). VCF-style: chr6-89951511-C-A. GRCh37 (hg19) VCF-style: chr6-90661230-C-A.
Other names: c.595G>T, p.Val199Leu (NM_001170794.2); short protein forms V199L.
Identifiers: ClinVar variation 1463588 (VCV001463588.8), dbSNP rs762444607, ClinGen allele CA365072664.